The following is an entry in ClinVar:

ClinVar aggregate classification (germline): Pathogenic/Likely pathogenic. Review status: criteria provided, multiple submitters, no conflicts (2 of 4 stars). 2 submissions from 2 submitters: Pathogenic (1); Likely pathogenic (1). Last evaluated 2024-04-19.

Conditions:
Jeune thoracic dystrophy. Also called: Jeune syndrome; Infantile thoracic dystrophy; Thoracic pelvic phalangeal dystrophy; Jeune's syndrome; Chondroectodermal dysplasia-like syndrome; Short-rib thoracic dysplasia. Identifiers: Orphanet 474, MedGen C0265275, MONDO:0018770.
Asphyxiating thoracic dystrophy 3. Also called: Saldino-Noonan Syndrome; SHORT-RIB THORACIC DYSPLASIA 3 WITH OR WITHOUT POLYDACTYLY; POLYDACTYLY WITH NEONATAL CHONDRODYSTROPHY, TYPE I; SHORT-RIB THORACIC DYSPLASIA 3/6 WITH POLYDACTYLY, DIGENIC; Short rib polydactyly syndrome 2B. Identifiers: Orphanet 474, Orphanet 93269, Orphanet 93270, Orphanet 93271, MedGen C0036069, MONDO:0013127, OMIM 613091.

Allele frequency attached by ClinVar (database versions not stated): gnomAD 0.00001; TOPMed 0.00001.
gnomAD v4.1: 1 of 1,600,310 alleles (0.000062%); highest among the groups gnomAD compares: Non-Finnish European, 0.000085%; no homozygotes.

Submissions (2):

Fulgent Genetics
Classification: Likely pathogenic for Asphyxiating thoracic dystrophy 3. Last evaluated: 2024-04-19. Review status: criteria provided, single submitter. Criteria: ACMG Guidelines, 2015. Collection method: clinical testing. Allele origin: germline.

Labcorp Genetics (formerly Invitae), Labcorp
Classification: Pathogenic for Jeune thoracic dystrophy. Last evaluated: 2023-11-06. Review status: criteria provided, single submitter. Criteria: Invitae Variant Classification Sherloc (09022015). Collection method: clinical testing. Allele origin: germline.
Comment: This sequence change falls in intron 38 of the DYNC2H1 gene. It does not directly change the encoded amino acid sequence of the DYNC2H1 protein. RNA analysis indicates that this variant induces altered splicing and may result in an absent or disrupted protein product. This variant is not present in population databases (gnomAD no frequency). This variant has been observed in individual(s) with asphyxiating thoracic dystrophy and/or clinical features of asphyxiating thoracic dystrophy (PMID: 36599940). In at least one individual the data is consistent with being in trans (on the opposite chromosome) from a pathogenic variant. Studies have shown that this variant results in activation of a cryptic splice site and introduces a premature termination codon (PMID: 36599940). The resulting mRNA is expected to undergo nonsense-mediated decay. For these reasons, this variant has been classified as Pathogenic.

Literature cited by the submitters: PubMed 36599940 (cited by Labcorp Genetics (formerly Invitae), Labcorp).

NM_001377.3(DYNC2H1):c.6140-5A>G

Gene: DYNC2H1 (dynein cytoplasmic 2 heavy chain 1; plus strand). Cytogenetic location: 11q22.3.
Variant type: single nucleotide variant.
Coding change: c.6140-5A>G on transcript NM_001377.3 (MANE Select); 5 bases into the intron before coding-DNA position 6140, A replaced by G.
Molecular consequence: intron variant.
Genome position (GRCh38, 1-based): chr11:103,179,021, A>G. VCF-style: chr11-103179021-A-G. GRCh37 (hg19) VCF-style: chr11-103049750-A-G.
Other names: c.6140-5A>G (NM_001080463.2).
Identifiers: ClinVar variation 2808971 (VCV002808971.4), dbSNP rs1362562605, ClinGen allele CA670938772.